The following is an entry in ClinVar:

ClinVar aggregate classification (germline): Likely pathogenic (1 of 4 stars; one submission).

Conditions:
BSN-related disorder. Also called: BSN-related condition.

Submission:

3billion
Classification: Likely pathogenic for BSN-related disorder. Last evaluated: 2025-12-09. Review status: criteria provided, single submitter. Criteria: ACMG Guidelines, 2015. Collection method: clinical testing. Allele origin: germline. Affected: yes.
Comment: The variant is not observed in the gnomAD v4.1.0 dataset. Predicted Consequence/Location: Stop-gained (nonsense): predicted to result in a loss or disruption of normal protein function through nonsense-mediated decay (NMD) or protein truncation. Multiple pathogenic variants are reported downstream of the variant. Therefore, this variant is classified as Likely pathogenic according to the recommendation of ACMG/AMP guideline.

NM_003458.4(BSN):c.9463C>T (p.Gln3155Ter)

Gene: BSN (bassoon presynaptic cytomatrix protein; plus strand). Cytogenetic location: 3p21.31.
Variant type: single nucleotide variant.
Coding change: c.9463C>T on transcript NM_003458.4 (MANE Select); coding-DNA position 9463, C replaced by T.
Protein change: p.Gln3155Ter; replaces glutamine 3155 with a stop codon.
Molecular consequence: nonsense.
Genome position (GRCh38, 1-based): chr3:49,661,308, C>T. VCF-style: chr3-49661308-C-T. GRCh37 (hg19) VCF-style: chr3-49698741-C-T.
Other names: short protein forms Q3155*.
Identifiers: ClinVar variation 4855178 (VCV004855178.1).